The following is an entry in ClinVar:

ClinVar aggregate classification (germline): Uncertain significance (1 of 4 stars; one submission).

Submission:

GeneDx
Classification: Uncertain significance. Last evaluated: 2024-02-27. Review status: criteria provided, single submitter. Criteria: GeneDx Variant Classification Process June 2021. Collection method: clinical testing. Allele origin: germline. Affected: yes.
Comment: Not observed at significant frequency in large population cohorts (gnomAD); In silico analysis supports that this missense variant does not alter protein structure/function; Has not been previously published as pathogenic or benign to our knowledge

NM_004370.6(COL12A1):c.6326G>C (p.Gly2109Ala)

Gene: COL12A1 (collagen type XII alpha 1 chain; minus strand). Cytogenetic location: 6q13.
Variant type: single nucleotide variant.
Coding change: c.6326G>C on transcript NM_004370.6 (MANE Select); coding-DNA position 6326, G replaced by C.
Protein change: p.Gly2109Ala; replaces glycine 2109 with alanine.
Molecular consequence: missense variant.
Genome position (GRCh38, 1-based): chr6:75,128,310, C>G on the plus strand (G>C on the coding strand, the complement: COL12A1 is on the minus strand). VCF-style: chr6-75128310-C-G. GRCh37 (hg19) VCF-style: chr6-75838026-C-G.
Other names: c.6326G>C, p.Gly2109Ala (NM_001424113.1); c.6305G>C, p.Gly2102Ala (NM_001424114.1); c.6053G>C, p.Gly2018Ala (NM_001424115.1); c.2834G>C, p.Gly945Ala (NM_001424116.1, NM_080645.3); short protein forms G2018A, G2102A, G2109A, G945A.
Identifiers: ClinVar variation 3342427 (VCV003342427.1).
Genomic context (GRCh38, chr6:75,128,310, plus strand): 5'-TGACAATTTCAAAGCAAAAATAAAAGGGGGAGTACAAAACACTTACCAGTTCTTCCATTT[C>G]CTGTTAGATGGCCACCATCTCCATCTTCATAAACAGCAATAACAGTAATTTTATATGGAG-3'
Protein context (NP_004361.3, residues 2099-2119): YEDGDGGHLT[Gly2109Ala]NGRTVGLLPP